The following is an entry in ClinVar:

NM_001256317.3(TMPRSS3):c.343G>A (p.Ala115Thr)

Gene: TMPRSS3 (transmembrane serine protease 3; minus strand). Cytogenetic location: 21q22.3.
Variant type: single nucleotide variant.
Coding change: c.343G>A on transcript NM_001256317.3 (MANE Select); coding-DNA position 343, G replaced by A.
Protein change: p.Ala115Thr; replaces alanine 115 with threonine.
Molecular consequence: missense variant. On other transcripts: 5 prime UTR variant (1).
Genome position (GRCh38, 1-based): chr21:42,388,506, C>T on the plus strand (G>A on the coding strand, the complement: TMPRSS3 is on the minus strand). VCF-style: chr21-42388506-C-T. GRCh37 (hg19) VCF-style: chr21-43808615-C-T.
Other names: c.343G>A, p.Ala115Thr (NM_024022.4, NM_032405.2); c.-39G>A (NM_032404.3); short protein forms A115T.
Identifiers: ClinVar variation 3769989 (VCV003769989.1).
Genomic context (GRCh38, chr21:42,388,506, plus strand): 5'-CCTTCCAGTCATCGGAGCACATGGTCTTCCACGAAGCAGCTGTGAACACCTGGAGCACGG[C>T]ATTCTGACCACCCACCCGGACTGGCCGATGTGCAGAAAGAAAGGCTTATTAGTGGCCAGT-3'
Protein context (NP_001243246.1, residues 105-125): YRCVRVGGQN[Ala115Thr]VLQVFTAASW

ClinVar aggregate classification (germline): Uncertain significance (1 of 4 stars; one submission).

Submission:

GeneDx
Classification: Uncertain significance. Last evaluated: 2024-09-12. Review status: criteria provided, single submitter. Criteria: GeneDx Variant Classification Process June 2021. Collection method: clinical testing. Allele origin: germline. Affected: yes.
Comment: Not observed at significant frequency in large population cohorts (gnomAD); In silico analysis indicates that this missense variant does not alter protein structure/function; Has not been previously published as pathogenic or benign to our knowledge